The following is an entry in ClinVar:

NM_000368.5(TSC1):c.2585A>G (p.Tyr862Cys)

Gene: TSC1 (TSC complex subunit 1; minus strand). Cytogenetic location: 9q34.13.
Variant type: single nucleotide variant.
Coding change: c.2585A>G on transcript NM_000368.5 (MANE Select); coding-DNA position 2585, A replaced by G.
Protein change: p.Tyr862Cys; replaces tyrosine 862 with cysteine.
Molecular consequence: missense variant.
Genome position (GRCh38, 1-based): chr9:132,900,755, T>C on the plus strand (A>G on the coding strand, the complement: TSC1 is on the minus strand). VCF-style: chr9-132900755-T-C. GRCh37 (hg19) VCF-style: chr9-135776142-T-C.
Other names: c.2582A>G, p.Tyr861Cys (NM_001162426.2); c.2432A>G, p.Tyr811Cys (NM_001162427.2); c.2222A>G, p.Tyr741Cys (NM_001362177.2); short protein forms Y862C, Y741C, Y811C, Y861C.
Identifiers: ClinVar variation 411273 (VCV000411273.9), dbSNP rs1060503221, ClinGen allele CA16612567.
Genomic context (GRCh38, chr9:132,900,755, plus strand): 5'-GCTCCCGAGCCCTGGCATACCTTTGTGGTATCTGAGTGCTTGTTCTGCAGTTGTTCCAAA[T>C]AGAGCTCGTTGACCTCCCCAAGAACCAACAGCTGCCTGTTCAAGAACTCCATCTGCTGCT-3'
Protein context (NP_000359.1, residues 852-872): LLVLGEVNEL[Tyr862Cys]LEQLQNKHSD

ClinVar aggregate classification (germline): Uncertain significance. Review status: criteria provided, multiple submitters, no conflicts (2 of 4 stars). 2 submissions from 2 submitters: Uncertain significance (2). Last evaluated 2025-06-24.

Conditions:
Hereditary cancer-predisposing syndrome. Also called: Hereditary neoplastic syndrome; Neoplastic Syndromes, Hereditary; Tumor predisposition; Hereditary Cancer Syndrome. Identifiers: Orphanet 140162, MedGen C0027672, MeSH D009386, MONDO:0015356.
Tuberous sclerosis 1 (TSC1). Identifiers: Orphanet 805, MedGen C1854465, MONDO:0008612, OMIM 191100.

Allele frequency attached by ClinVar (database versions not stated): TOPMed below 0.00001; gnomAD 0.00001.

Submissions (2):

Ambry Genetics
Classification: Uncertain significance for Hereditary cancer-predisposing syndrome. Last evaluated: 2025-06-24. Review status: criteria provided, single submitter. Criteria: Ambry Variant Classification Scheme 2023. Collection method: clinical testing. Allele origin: germline.
Comment: The p.Y862C variant (also known as c.2585A>G), located in coding exon 18 of the TSC1 gene, results from an A to G substitution at nucleotide position 2585. The tyrosine at codon 862 is replaced by cysteine, an amino acid with highly dissimilar properties. This amino acid position is conserved. In addition, the in silico prediction for this alteration is inconclusive. Based on the available evidence, the clinical significance of this variant remains unclear.

Labcorp Genetics (formerly Invitae), Labcorp
Classification: Uncertain significance for Tuberous sclerosis 1. Last evaluated: 2025-06-22. Review status: criteria provided, single submitter. Criteria: Invitae Variant Classification Sherloc (09022015). Collection method: clinical testing. Allele origin: germline.
Comment: This sequence change replaces tyrosine, which is neutral and polar, with cysteine, which is neutral and slightly polar, at codon 862 of the TSC1 protein (p.Tyr862Cys). This variant is not present in population databases (gnomAD no frequency). This variant has not been reported in the literature in individuals affected with TSC1-related conditions. ClinVar contains an entry for this variant (Variation ID: 411273). Invitae Evidence Modeling of protein sequence and biophysical properties (such as structural, functional, and spatial information, amino acid conservation, physicochemical variation, residue mobility, and thermodynamic stability) indicates that this missense variant is not expected to disrupt TSC1 protein function with a negative predictive value of 95%. In summary, the available evidence is currently insufficient to determine the role of this variant in disease. Therefore, it has been classified as a Variant of Uncertain Significance.